The following is an entry in ClinVar:

ClinVar aggregate classification (germline): Uncertain significance (1 of 4 stars; one submission).

Conditions:
Lowe syndrome (OCRL). Also called: LOWE OCULOCEREBRORENAL SYNDROME; PHOSPHATIDYLINOSITOL 4,5-BISPHOSPHATE 5-PHOSPHATASE DEFICIENCY; Oculocerebrorenal Syndrome. Identifiers: Orphanet 534, MedGen C0028860, MONDO:0010645, OMIM 309000.

Submission:

Labcorp Genetics (formerly Invitae), Labcorp
Classification: Uncertain significance for Lowe syndrome. Last evaluated: 2024-08-15. Review status: criteria provided, single submitter. Criteria: Invitae Variant Classification Sherloc (09022015). Collection method: clinical testing. Allele origin: germline.
Comment: This sequence change replaces lysine, which is basic and polar, with asparagine, which is neutral and polar, at codon 472 of the OCRL protein (p.Lys472Asn). This variant is not present in population databases (gnomAD no frequency). This variant has not been reported in the literature in individuals affected with OCRL-related conditions. Invitae Evidence Modeling of protein sequence and biophysical properties (such as structural, functional, and spatial information, amino acid conservation, physicochemical variation, residue mobility, and thermodynamic stability) indicates that this missense variant is not expected to disrupt OCRL protein function with a negative predictive value of 95%. In summary, the available evidence is currently insufficient to determine the role of this variant in disease. Therefore, it has been classified as a Variant of Uncertain Significance.

NM_000276.4(OCRL):c.1416G>T (p.Lys472Asn)

Gene: OCRL (OCRL inositol polyphosphate-5-phosphatase; plus strand). Cytogenetic location: Xq26.1.
Variant type: single nucleotide variant.
Coding change: c.1416G>T on transcript NM_000276.4 (MANE Select); coding-DNA position 1416, G replaced by T.
Protein change: p.Lys472Asn; replaces lysine 472 with asparagine.
Molecular consequence: missense variant.
Genome position (GRCh38, 1-based): chrX:129,567,313, G>T. VCF-style: chrX-129567313-G-T. GRCh37 (hg19) VCF-style: chrX-128701290-G-T.
Other names: c.1419G>T, p.Lys473Asn (NM_001318784.2); c.1416G>T, p.Lys472Asn (NM_001587.4); short protein forms K473N, K472N.
Identifiers: ClinVar variation 3661902 (VCV003661902.2).